The following is an entry in ClinVar:

NM_000747.3(CHRNB1):c.841A>G (p.Ile281Val)

Gene: CHRNB1 (cholinergic receptor nicotinic beta 1 subunit; plus strand). Cytogenetic location: 17p13.1.
Variant type: single nucleotide variant.
Coding change: c.841A>G on transcript NM_000747.3 (MANE Select); coding-DNA position 841, A replaced by G.
Protein change: p.Ile281Val; replaces isoleucine 281 with valine.
Molecular consequence: missense variant.
Genome position (GRCh38, 1-based): chr17:7,454,317, A>G. VCF-style: chr17-7454317-A-G. GRCh37 (hg19) VCF-style: chr17-7357636-A-G.
Other names: short protein forms I281V.
Identifiers: ClinVar variation 4694747 (VCV004694747.1).

ClinVar aggregate classification (germline): Uncertain significance (1 of 4 stars; one submission).

Conditions:
Congenital myasthenic syndrome 2A. Also called: Myasthenic syndrome, congenital, 2a, slow-channel. Identifiers: Orphanet 590, MedGen C4225374, MONDO:0014581, OMIM 616313.

gnomAD v4.1: 6 of 1,614,004 alleles (0.00037%); highest among the groups gnomAD compares: South Asian, 0.0033%; no homozygotes.

Submission:

Labcorp Genetics (formerly Invitae), Labcorp
Classification: Uncertain significance for Congenital myasthenic syndrome 2A. Last evaluated: 2025-10-28. Review status: criteria provided, single submitter. Criteria: Invitae Variant Classification Sherloc (09022015). Collection method: clinical testing. Allele origin: germline.
Comment: This sequence change replaces isoleucine, which is neutral and non-polar, with valine, which is neutral and non-polar, at codon 281 of the CHRNB1 protein (p.Ile281Val). This variant is present in population databases (rs757194127, gnomAD 0.003%). This variant has not been reported in the literature in individuals affected with CHRNB1-related conditions. Invitae Evidence Modeling of protein sequence and biophysical properties (such as structural, functional, and spatial information, amino acid conservation, physicochemical variation, residue mobility, and thermodynamic stability) indicates that this missense variant is not expected to disrupt CHRNB1 protein function with a negative predictive value of 80%. In summary, the available evidence is currently insufficient to determine the role of this variant in disease. Therefore, it has been classified as a Variant of Uncertain Significance.